The following is an entry in ClinVar:

NM_004006.3(DMD):c.1703A>T (p.Gln568Leu)

Gene: DMD (dystrophin; minus strand). Cytogenetic location: Xp21.1.
Variant type: single nucleotide variant.
Coding change: c.1703A>T on transcript NM_004006.3 (MANE Select); coding-DNA position 1703, A replaced by T.
Protein change: p.Gln568Leu; replaces glutamine 568 with leucine.
Molecular consequence: missense variant.
Genome position (GRCh38, 1-based): chrX:32,573,746, T>A on the plus strand (A>T on the coding strand, the complement: DMD is on the minus strand). VCF-style: chrX-32573746-T-A. GRCh37 (hg19) VCF-style: chrX-32591863-T-A.
Other names: c.1679A>T, p.Gln560Leu (NM_000109.4); c.1691A>T, p.Gln564Leu (NM_004009.3); c.1334A>T, p.Gln445Leu (NM_004010.3); short protein forms Q564L, Q445L, Q560L, Q568L.
Identifiers: ClinVar variation 2150523 (VCV002150523.2), dbSNP rs1181082381, ClinGen allele CA412673317.

ClinVar aggregate classification (germline): Uncertain significance. Review status: criteria provided, multiple submitters, no conflicts (2 of 4 stars). 2 submissions from 2 submitters: Uncertain significance (2). Last evaluated 2024-04-02.

Conditions:
Duchenne muscular dystrophy (DMD). Also called: MUSCULAR DYSTROPHY, PSEUDOHYPERTROPHIC PROGRESSIVE, DUCHENNE TYPE; Duchenne Muscular Dystrophy (DMD). Identifiers: Orphanet 98896, MedGen C0013264, MONDO:0010679, OMIM 310200.

Allele frequency attached by ClinVar (database versions not stated): gnomAD exomes 0.00001.
gnomAD v4.1: 13 of 1,210,148 alleles (0.0011%); highest among the groups gnomAD compares: Non-Finnish European, 0.0012%; no homozygotes.

Submissions (2):

GeneDx
Classification: Uncertain significance. Last evaluated: 2024-04-02. Review status: criteria provided, single submitter. Criteria: GeneDx Variant Classification Process June 2021. Collection method: clinical testing. Allele origin: germline. Affected: yes.
Comment: Not observed at significant frequency in large population cohorts (gnomAD); In silico analysis supports that this missense variant has a deleterious effect on protein structure/function; In silico analysis supports a deleterious effect on splicing; Missense variant in a gene in which most reported pathogenic variants are truncating/loss of function; Has not been previously published as pathogenic or benign to our knowledge

Labcorp Genetics (formerly Invitae), Labcorp
Classification: Uncertain significance for Duchenne muscular dystrophy. Last evaluated: 2022-10-08. Review status: criteria provided, single submitter. Criteria: Invitae Variant Classification Sherloc (09022015). Collection method: clinical testing. Allele origin: germline.
Comment: This sequence change replaces glutamine, which is neutral and polar, with leucine, which is neutral and non-polar, at codon 568 of the DMD protein (p.Gln568Leu). This variant is not present in population databases (gnomAD no frequency). This variant has not been reported in the literature in individuals affected with DMD-related conditions. Algorithms developed to predict the effect of missense changes on protein structure and function (SIFT, PolyPhen-2, Align-GVGD) all suggest that this variant is likely to be disruptive. Algorithms developed to predict the effect of sequence changes on RNA splicing suggest that this variant may create or strengthen a splice site. In summary, the available evidence is currently insufficient to determine the role of this variant in disease. Therefore, it has been classified as a Variant of Uncertain Significance.